The following is an entry in ClinVar:

NM_053025.4(MYLK):c.2230A>G (p.Ile744Val)

Gene: MYLK (myosin light chain kinase; minus strand). Cytogenetic location: 3q21.1.
Variant type: single nucleotide variant.
Coding change: c.2230A>G on transcript NM_053025.4 (MANE Select); coding-DNA position 2230, A replaced by G.
Protein change: p.Ile744Val; replaces isoleucine 744 with valine.
Molecular consequence: missense variant.
Genome position (GRCh38, 1-based): chr3:123,707,914, T>C on the plus strand (A>G on the coding strand, the complement: MYLK is on the minus strand). VCF-style: chr3-123707914-T-C. GRCh37 (hg19) VCF-style: chr3-123426761-T-C.
Other names: c.1702A>G, p.Ile568Val (NM_001321309.2); c.2023A>G, p.Ile675Val (NM_053026.4, NM_053028.4); c.2230A>G, p.Ile744Val (NM_053027.4); short protein forms I675V, I744V, I568V.
Identifiers: ClinVar variation 3715666 (VCV003715666.2).

ClinVar aggregate classification (germline): Uncertain significance (1 of 4 stars; one submission).

Conditions:
Aortic aneurysm, familial thoracic 7 (AAT7). Also called: AORTIC DISSECTION, FAMILIAL, WITH OR WITHOUT AORTIC ANEURYSM. Identifiers: MedGen C3151077, MONDO:0013418, OMIM 613780.

gnomAD v4.1: 13 of 1,614,076 alleles (0.00081%); highest among the groups gnomAD compares: South Asian, 0.0099%; no homozygotes.

Submission:

Labcorp Genetics (formerly Invitae), Labcorp
Classification: Uncertain significance for Aortic aneurysm, familial thoracic 7. Last evaluated: 2025-10-10. Review status: criteria provided, single submitter. Criteria: Invitae Variant Classification Sherloc (09022015). Collection method: clinical testing. Allele origin: germline.
Comment: This sequence change replaces isoleucine, which is neutral and non-polar, with valine, which is neutral and non-polar, at codon 744 of the MYLK protein (p.Ile744Val). This variant is present in population databases (rs778497684, gnomAD 0.01%). This variant has not been reported in the literature in individuals affected with MYLK-related conditions. ClinVar contains an entry for this variant (Variation ID: 3715666). Invitae Evidence Modeling of protein sequence and biophysical properties (such as structural, functional, and spatial information, amino acid conservation, physicochemical variation, residue mobility, and thermodynamic stability) indicates that this missense variant is not expected to disrupt MYLK protein function with a negative predictive value of 80%. In summary, the available evidence is currently insufficient to determine the role of this variant in disease. Therefore, it has been classified as a Variant of Uncertain Significance.